The following is an entry in ClinVar:

ClinVar aggregate classification (germline): Benign/Likely benign. Review status: criteria provided, multiple submitters, no conflicts (2 of 4 stars). 4 submissions from 3 submitters: Benign (1); Likely benign (2). 1 of the submissions does not count toward it. Last evaluated 2026-02-04.

Conditions:
Achromatopsia. Also called: Rod monochromatism. Identifiers: Orphanet 49382, MedGen C0152200, MONDO:0018852, HP:0011516.
Severe early-childhood-onset retinal dystrophy (STGD1). Also called: STGD; Stargardt macular dystrophy; Juvenile onset macular degeneration; Stargardt disease 1; MACULAR DYSTROPHY WITH FLECKS, TYPE 1. Identifiers: Orphanet 364055, Orphanet 827, MedGen C1855465, MeSH D000080362, MONDO:0009549, OMIM 248200.
Achromatopsia 3 (ACHM3). Also called: PINGELAPESE BLINDNESS; TOTAL COLORBLINDNESS WITH MYOPIA; ROD MONOCHROMACY 1; ROD MONOCHROMATISM 1; ACHROMATOPSIA WITH MYOPIA. Identifiers: Orphanet 49382, MedGen C1849792, MONDO:0009875, OMIM 262300.

Allele frequency attached by ClinVar (database versions not stated): gnomAD exomes 0.00316 and 0.00131; ESP Exome Variant Server 0.00777; 1000 Genomes Project 0.00759; gnomAD 0.00625 and 0.00635; TOPMed 0.00692; 1000 Genomes Project 30x 0.00812; ExAC 0.00368.
gnomAD v4.1: 2,909 of 1,613,528 alleles (0.18%); highest among the groups gnomAD compares: African/African-American, 2.1%; 34 homozygotes.

Submissions (4):

Labcorp Genetics (formerly Invitae), Labcorp
Classification: Benign. Last evaluated: 2026-02-04. Review status: criteria provided, single submitter. Criteria: Invitae Variant Classification Sherloc (09022015). Collection method: clinical testing. Allele origin: germline.

Illumina Laboratory Services, Illumina
Classification: Likely benign for Achromatopsia 3. Last evaluated: 2018-01-12. Review status: criteria provided, single submitter. Criteria: ICSL Variant Classification Criteria 13 December 2019. Collection method: clinical testing. Allele origin: germline.
Comment: This variant was observed in the ICSL laboratory as part of a predisposition screen in an ostensibly healthy population. It had not been previously curated by ICSL or reported in the Human Gene Mutation Database (HGMD: prior to June 1st, 2018), and was therefore a candidate for classification through an automated scoring system. Utilizing variant allele frequency, disease prevalence and penetrance estimates, and inheritance mode, an automated score was calculated to assess if this variant is too frequent to cause the disease. Based on the score and internal cut-off values, a variant classified as likely benign is not then subjected to further curation. The score for this variant resulted in a classification of likely benign for this disease.

Illumina Laboratory Services, Illumina
Classification: Likely benign for Severe early-childhood-onset retinal dystrophy. Last evaluated: 2018-01-12. Review status: criteria provided, single submitter. Criteria: ICSL Variant Classification Criteria 13 December 2019. Collection method: clinical testing. Allele origin: germline.
Comment: the same text as in the submission from Illumina Laboratory Services, Illumina above.

Natera, Inc.
Classification: Benign for Achromatopsia. Last evaluated: 2019-10-28. Review status: no assertion criteria provided. Collection method: clinical testing. Allele origin: germline. Not counted in ClinVar's aggregate classification.

NM_019098.5(CNGB3):c.212-3T>C

Gene: CNGB3 (cyclic nucleotide gated channel subunit beta 3; minus strand). Cytogenetic location: 8q21.3.
Variant type: single nucleotide variant.
Coding change: c.212-3T>C on transcript NM_019098.5 (MANE Select); 3 bases into the intron before coding-DNA position 212, T replaced by C.
Molecular consequence: intron variant.
Genome position (GRCh38, 1-based): chr8:86,726,660, A>G on the plus strand (T>C on the coding strand, the complement: CNGB3 is on the minus strand). VCF-style: chr8-86726660-A-G. GRCh37 (hg19) VCF-style: chr8-87738888-A-G.
Identifiers: ClinVar variation 363886 (VCV000363886.16), dbSNP rs79126074, ClinGen allele CA4800457.